The following is an entry in ClinVar:

NM_000565.4(IL6R):c.1184G>A (p.Arg395Gln)

Gene: IL6R (interleukin 6 receptor; plus strand). Cytogenetic location: 1q21.3.
Variant type: single nucleotide variant.
Coding change: c.1184G>A on transcript NM_000565.4 (MANE Select); coding-DNA position 1184, G replaced by A.
Protein change: p.Arg395Gln; replaces arginine 395 with glutamine.
Molecular consequence: missense variant.
Genome position (GRCh38, 1-based): chr1:154,465,157, G>A. VCF-style: chr1-154465157-G-A. GRCh37 (hg19) VCF-style: chr1-154437633-G-A.
Other names: c.1283G>A, p.Arg428Gln (NM_001382769.1); c.1277G>A, p.Arg426Gln (NM_001382770.1); c.1232G>A, p.Arg411Gln (NM_001382771.1); c.1178G>A, p.Arg393Gln (NM_001382772.1); c.1138G>A, p.Gly380Arg (NM_001382773.1); c.824G>A, p.Arg275Gln (NM_001382774.1); c.1090G>A, p.Gly364Arg (NM_181359.3); c.1184G>A (NM_000565.3); short protein forms G380R, R275Q, R395Q, R411Q, R393Q, R428Q, G364R, R426Q.
Identifiers: ClinVar variation 1509193 (VCV001509193.6), dbSNP rs371236018, ClinGen allele CA1129315.
Genomic context (GRCh38, chr1:154,465,157, plus strand): 5'-AAATCTGTGTGGTTTGTCTTTGTGTGTTTGTGTGAAGGTTCAAGAAGACGTGGAAGCTGC[G>A]GGCTCTGAAGGAAGGCAAGACAAGCATGCATCCGCCGTACTCTTTGGGGCAGCTGGTCCC-3'
Protein context (NP_000556.1, residues 385-405): VLRFKKTWKL[Arg395Gln]ALKEGKTSMH

ClinVar aggregate classification (germline): Uncertain significance. Review status: criteria provided, single submitter (1 of 4 stars). 2 submissions from 2 submitters: Uncertain significance (1). 1 of the submissions does not count toward it. Last evaluated 2023-12-30.

Conditions:
IL6R-related disorder. Also called: IL6R-related condition.

Allele frequency attached by ClinVar (database versions not stated): ESP Exome Variant Server 0.00008; gnomAD 0.00010 and 0.00014; gnomAD exomes 0.00011 and 0.00033; TOPMed 0.00011; ExAC 0.00039; 1000 Genomes Project 30x 0.00047; 1000 Genomes Project 0.00060.
gnomAD v4.1: 191 of 1,614,110 alleles (0.012%); highest among the groups gnomAD compares: South Asian, 0.14%; no homozygotes.

Submissions (2):

Labcorp Genetics (formerly Invitae), Labcorp
Classification: Uncertain significance. Last evaluated: 2023-12-30. Review status: criteria provided, single submitter. Criteria: Invitae Variant Classification Sherloc (09022015). Collection method: clinical testing. Allele origin: germline.
Comment: This sequence change replaces arginine, which is basic and polar, with glutamine, which is neutral and polar, at codon 395 of the IL6R protein (p.Arg395Gln). This variant is present in population databases (rs371236018, gnomAD 0.2%). This variant has not been reported in the literature in individuals affected with IL6R-related conditions. ClinVar contains an entry for this variant (Variation ID: 1509193). Algorithms developed to predict the effect of missense changes on protein structure and function output the following: SIFT: "Not Available"; PolyPhen-2: "Benign"; Align-GVGD: "Not Available". The glutamine amino acid residue is found in multiple mammalian species, which suggests that this missense change does not adversely affect protein function. In summary, the available evidence is currently insufficient to determine the role of this variant in disease. Therefore, it has been classified as a Variant of Uncertain Significance.

PreventionGenetics, part of Exact Sciences
Classification: Likely benign for IL6R-related condition. Last evaluated: 2024-01-23. Review status: no assertion criteria provided. Collection method: clinical testing. Allele origin: germline. Not counted in ClinVar's aggregate classification.
Comment: This variant is classified as likely benign based on ACMG/AMP sequence variant interpretation guidelines (Richards et al. 2015 PMID: 25741868, with internal and published modifications).